The following is an entry in ClinVar:

NM_014845.6(FIG4):c.865G>A (p.Ala289Thr)

Gene: FIG4 (FIG4 phosphoinositide 5-phosphatase; plus strand). Cytogenetic location: 6q21.
Variant type: single nucleotide variant.
Coding change: c.865G>A on transcript NM_014845.6 (MANE Select); coding-DNA position 865, G replaced by A.
Protein change: p.Ala289Thr; replaces alanine 289 with threonine.
Molecular consequence: missense variant.
Genome position (GRCh38, 1-based): chr6:109,741,533, G>A. VCF-style: chr6-109741533-G-A. GRCh37 (hg19) VCF-style: chr6-110062736-G-A.
Other names: short protein forms A289T.
Identifiers: ClinVar variation 937962 (VCV000937962.8), dbSNP rs1776324068, ClinGen allele CA365221429.

ClinVar aggregate classification (germline): Uncertain significance (1 of 4 stars; one submission).

Conditions:
Charcot-Marie-Tooth disease type 4. Also called: Charcot-Marie-Tooth disease, type IV; Charcot-Marie-Tooth, Type 4. Identifiers: Orphanet 64749, MedGen C4082197, MONDO:0018995.

Allele frequency attached by ClinVar (database versions not stated): gnomAD exomes 0.00002.
gnomAD v4.1: 25 of 1,604,620 alleles (0.0016%); highest among the groups gnomAD compares: Non-Finnish European, 0.002%; no homozygotes.

Submission:

Labcorp Genetics (formerly Invitae), Labcorp
Classification: Uncertain significance for Charcot-Marie-Tooth disease type 4. Last evaluated: 2024-11-04. Review status: criteria provided, single submitter. Criteria: Invitae Variant Classification Sherloc (09022015). Collection method: clinical testing. Allele origin: germline.
Comment: This sequence change replaces alanine, which is neutral and non-polar, with threonine, which is neutral and polar, at codon 289 of the FIG4 protein (p.Ala289Thr). This variant is not present in population databases (gnomAD no frequency). This variant has not been reported in the literature in individuals affected with FIG4-related conditions. ClinVar contains an entry for this variant (Variation ID: 937962). An algorithm developed to predict the effect of missense changes on protein structure and function (PolyPhen-2) suggests that this variant is likely to be disruptive. In summary, the available evidence is currently insufficient to determine the role of this variant in disease. Therefore, it has been classified as a Variant of Uncertain Significance.